The following is an entry in ClinVar:

NM_032607.3(CREB3L3):c.1225G>A (p.Ala409Thr)

Genes: CREB3L3 (cAMP responsive element binding protein 3 like 3; plus strand), LOC125371455 (Sharpr-MPRA regulatory region 11650; plus strand). Cytogenetic location: 19p13.3.
Variant type: single nucleotide variant.
Coding change: c.1225G>A on transcript NM_032607.3 (MANE Select); coding-DNA position 1225, G replaced by A.
Protein change: p.Ala409Thr; replaces alanine 409 with threonine.
Molecular consequence: missense variant. On other transcripts: 3 prime UTR variant (1).
Genome position (GRCh38, 1-based): chr19:4,171,808, G>A. VCF-style: chr19-4171808-G-A. GRCh37 (hg19) VCF-style: chr19-4171805-G-A.
Other names: c.1222G>A, p.Ala408Thr (NM_001271995.2); c.1219G>A, p.Ala407Thr (NM_001271996.2); c.*104G>A (NM_001271997.2); short protein forms A409T, A408T, A407T.
Identifiers: ClinVar variation 2039715 (VCV002039715.14), dbSNP rs144785273, ClinGen allele CA9091656.

ClinVar aggregate classification (germline): Benign/Likely benign. Review status: criteria provided, multiple submitters, no conflicts (2 of 4 stars). 2 submissions from 2 submitters: Benign (1); Likely benign (1). Last evaluated 2026-01-06.

Allele frequency attached by ClinVar (database versions not stated): 1000 Genomes Project 0.00020; 1000 Genomes Project 30x 0.00031; ESP Exome Variant Server 0.00162.
gnomAD v4.1: 411 of 1,613,620 alleles (0.025%); highest among the groups gnomAD compares: African/African-American, 0.44%; 1 homozygote.

Submissions (2):

Labcorp Genetics (formerly Invitae), Labcorp
Classification: Benign. Last evaluated: 2026-01-06. Review status: criteria provided, single submitter. Criteria: Invitae Variant Classification Sherloc (09022015). Collection method: clinical testing. Allele origin: germline.

CeGaT Center for Human Genetics Tuebingen
Classification: Likely benign. Last evaluated: 2025-05-01. Review status: criteria provided, single submitter. Criteria: CeGaT Center For Human Genetics Tuebingen Variant Classification Criteria Version 2. Collection method: clinical testing. Allele origin: germline. Affected: yes. Observed: 1 variant allele.
Comment: CREB3L3: BP4